The following is an entry in ClinVar:

ClinVar aggregate classification (germline): Benign. Review status: criteria provided, multiple submitters, no conflicts (2 of 4 stars). 3 submissions from 3 submitters: Benign (3). Last evaluated 2024-01-24.

Allele frequency attached by ClinVar (database versions not stated): gnomAD exomes 0.88144; gnomAD 0.89433 and 0.89621; TOPMed 0.90486; 1000 Genomes Project 30x 0.91630; 1000 Genomes Project 0.91913.
gnomAD v4.1: 1,129,864 of 1,278,614 alleles (88%); highest among the groups gnomAD compares: East Asian, 94%; 500,303 homozygotes.

Submissions (3):

Unidad de Genómica Garrahan, Hospital de Pediatría Garrahan
Classification: Benign. Last evaluated: 2024-01-24. Review status: criteria provided, single submitter. Criteria: ACMG Guidelines, 2015. Collection method: clinical testing. Allele origin: germline. Affected: no. Observed: 86 variant alleles.
Comment: This variant is classified as Benign based on local population frequency. This variant was detected in 98% of patients studied by a panel of primary immunodeficiencies. Number of patients: 86. Only high quality variants are reported.

GeneDx
Classification: Benign. Last evaluated: 2018-06-14. Review status: criteria provided, single submitter. Criteria: GeneDx Variant Classification (06012015). Collection method: clinical testing. Allele origin: germline. Affected: yes.
Comment: This variant is considered likely benign or benign based on one or more of the following criteria: it is a conservative change, it occurs at a poorly conserved position in the protein, it is predicted to be benign by multiple in silico algorithms, and/or has population frequency not consistent with disease.

Breakthrough Genomics
Classification: Benign. Review status: criteria provided, single submitter. Criteria: ACMG Guidelines, 2015. Collection method: not provided. Allele origin: germline. Inheritance: Autosomal dominant inheritance. Affected: yes.

NM_000138.5(FBN1):c.7571-113C>A

Gene: FBN1 (fibrillin 1; minus strand). Cytogenetic location: 15q21.1.
Variant type: single nucleotide variant.
Coding change: c.7571-113C>A on transcript NM_000138.5 (MANE Select); 113 bases into the intron before coding-DNA position 7571, C replaced by A.
Molecular consequence: intron variant.
Genome position (GRCh38, 1-based): chr15:48,421,799, G>T on the plus strand (C>A on the coding strand, the complement: FBN1 is on the minus strand). VCF-style: chr15-48421799-G-T. GRCh37 (hg19) VCF-style: chr15-48713996-G-T.
Identifiers: ClinVar variation 672314 (VCV000672314.4), dbSNP rs1820488, ClinGen allele CA14117712.